The following is an entry in ClinVar:

ClinVar aggregate classification (germline): Uncertain significance (1 of 4 stars; one submission).

Conditions:
Hypertrophic cardiomyopathy. Also called: HYPERTROPHIC MYOCARDIOPATHY. Identifiers: Orphanet 217569, MedGen C0007194, MeSH D002312, MONDO:0005045, HP:0001639.

Submission:

Labcorp Genetics (formerly Invitae), Labcorp
Classification: Uncertain significance for Hypertrophic cardiomyopathy. Last evaluated: 2025-10-03. Review status: criteria provided, single submitter. Criteria: Invitae Variant Classification Sherloc (09022015). Collection method: clinical testing. Allele origin: germline.
Comment: This sequence change falls in intron 23 of the MYH7 gene. It does not directly change the encoded amino acid sequence of the MYH7 protein. This variant is not present in population databases (gnomAD no frequency). This variant has not been reported in the literature in individuals affected with MYH7-related conditions. Algorithms developed to predict the effect of sequence changes on RNA splicing suggest that this variant may disrupt the consensus splice site. In summary, the available evidence is currently insufficient to determine the role of this variant in disease. Therefore, it has been classified as a Variant of Uncertain Significance.

NM_000257.4(MYH7):c.2923-13T>C

Gene: MYH7 (myosin heavy chain 7; minus strand). Cytogenetic location: 14q11.2.
Variant type: single nucleotide variant.
Coding change: c.2923-13T>C on transcript NM_000257.4 (MANE Select); 13 bases into the intron before coding-DNA position 2923, T replaced by C.
Molecular consequence: intron variant.
Genome position (GRCh38, 1-based): chr14:23,423,736, A>G on the plus strand (T>C on the coding strand, the complement: MYH7 is on the minus strand). VCF-style: chr14-23423736-A-G. GRCh37 (hg19) VCF-style: chr14-23892945-A-G.
Other names: c.2923-13T>C (NM_001407004.1).
Identifiers: ClinVar variation 4728448 (VCV004728448.1).